The following is an entry in ClinVar:

NM_000884.3(IMPDH2):c.1440-9C>T

Gene: IMPDH2 (inosine monophosphate dehydrogenase 2; minus strand). Cytogenetic location: 3p21.31.
Variant type: single nucleotide variant.
Coding change: c.1440-9C>T on transcript NM_000884.3 (MANE Select); 9 bases into the intron before coding-DNA position 1440, C replaced by T.
Molecular consequence: intron variant.
Genome position (GRCh38, 1-based): chr3:49,024,587, G>A on the plus strand (C>T on the coding strand, the complement: IMPDH2 is on the minus strand). VCF-style: chr3-49024587-G-A. GRCh37 (hg19) VCF-style: chr3-49062020-G-A.
Other names: c.1365-9C>T (NM_001410761.1); c.1437-9C>T (NM_001410760.1); c.1512-9C>T (NM_001410759.1).
Identifiers: ClinVar variation 3052647 (VCV003052647.2), dbSNP rs746865709, ClinGen allele CA2390421.

ClinVar aggregate classification (germline): Likely benign (0 of 4 stars; one submission).

Conditions:
IMPDH2-related disorder. Also called: IMPDH2-related condition. Identifiers: MedGen CN382316, MONDO:1060248.

Allele frequency attached by ClinVar (database versions not stated): gnomAD exomes 0.00001; ExAC 0.00002.
gnomAD v4.1: 4 of 1,614,184 alleles (0.00025%); highest among the groups gnomAD compares: South Asian, 0.0033%; no homozygotes.

Submission:

PreventionGenetics, part of Exact Sciences
Classification: Likely benign for IMPDH2-related condition. Last evaluated: 2019-09-04. Review status: no assertion criteria provided. Collection method: clinical testing. Allele origin: germline.
Comment: This variant is classified as likely benign based on ACMG/AMP sequence variant interpretation guidelines (Richards et al. 2015 PMID: 25741868, with internal and published modifications).